The following is an entry in ClinVar:

ClinVar aggregate classification (germline): Conflicting classifications of pathogenicity. Review status: criteria provided, conflicting classifications (1 of 4 stars). 2 submissions from 2 submitters: Uncertain significance (1); Likely benign (1). Last evaluated 2025-09-17.

Conditions:
Familial sleep-related hypermotor epilepsy. Also called: Autosomal Dominant Sleep-Related Hypermotor (Hyperkinetic) Epilepsy. Identifiers: Orphanet 98784, MedGen C3696898, MONDO:0000030.

Allele frequency attached by ClinVar (database versions not stated): gnomAD 0.00001; TOPMed below 0.00001.
gnomAD v4.1: 6 of 1,613,998 alleles (0.00037%); highest among the groups gnomAD compares: East Asian, 0.0022%; no homozygotes.

Submissions (2):

Labcorp Genetics (formerly Invitae), Labcorp
Classification: Uncertain significance. Last evaluated: 2025-09-17. Review status: criteria provided, single submitter. Criteria: Invitae Variant Classification Sherloc (09022015). Collection method: clinical testing. Allele origin: germline.
Comment: This sequence change affects codon 47 of the CHRNA2 mRNA. It is a 'silent' change, meaning that it does not change the encoded amino acid sequence of the CHRNA2 protein. This variant is not present in population databases (gnomAD no frequency). This variant has not been reported in the literature in individuals affected with CHRNA2-related conditions. ClinVar contains an entry for this variant (Variation ID: 389228). Algorithms developed to predict the effect of sequence changes on RNA splicing suggest that this variant may disrupt the consensus splice site. In summary, the available evidence is currently insufficient to determine the role of this variant in disease. Therefore, it has been classified as a Variant of Uncertain Significance.

GeneDx
Classification: Likely benign. Last evaluated: 2017-06-28. Review status: criteria provided, single submitter. Criteria: GeneDx Variant Classification (06012015). Collection method: clinical testing. Allele origin: germline. Affected: yes.
Comment: This variant is considered likely benign or benign based on one or more of the following criteria: it is a conservative change, it occurs at a poorly conserved position in the protein, it is predicted to be benign by multiple in silico algorithms, and/or has population frequency not consistent with disease.

NM_000742.4(CHRNA2):c.141G>A (p.Thr47=)

Gene: CHRNA2 (cholinergic receptor nicotinic alpha 2 subunit; minus strand). Cytogenetic location: 8p21.2.
Variant type: single nucleotide variant.
Coding change: c.141G>A on transcript NM_000742.4 (MANE Select); coding-DNA position 141, G replaced by A.
Protein change: p.Thr47=; no amino-acid change (threonine 47 retained).
Molecular consequence: synonymous variant. On other transcripts: 5 prime UTR variant (4).
Genome position (GRCh38, 1-based): chr8:27,469,914, C>T on the plus strand (G>A on the coding strand, the complement: CHRNA2 is on the minus strand). VCF-style: chr8-27469914-C-T. GRCh37 (hg19) VCF-style: chr8-27327431-C-T.
Other names: c.141G>A, p.Thr47= (NM_001282455.2); c.-287G>A (NM_001347705.2); c.-332G>A (NM_001347706.2); c.-273G>A (NM_001347707.2); c.-321G>A (NM_001347708.2).
Identifiers: ClinVar variation 389228 (VCV000389228.2), dbSNP rs1057523368, ClinGen allele CA16605222.
Genomic context (GRCh38, chr8:27,469,914, plus strand): 5'-GAAGAGGTGTTTGAAGAGCCGGTCCTCAGTCTCGGTATGCGAGCCTCCCTGCGGCAATGC[C>T]GTGGGACTGGGAGAGGAGAGTGGGTCTCCAGGAGCCCTGGGAGGTGGGCGCTTAGCTTCC-3'
Protein context (NP_000733.2, residues 37-57): PGDPLSSPSP[Thr47=]ALPQGGSHTE